The following is an entry in ClinVar:

ClinVar aggregate classification (germline): Conflicting classifications of pathogenicity. Review status: criteria provided, conflicting classifications (1 of 4 stars). 3 submissions from 3 submitters: Uncertain significance (1); Likely benign (2). Last evaluated 2025-04-30.

Conditions:
Hereditary breast ovarian cancer syndrome. Also called: Hereditary breast and ovarian cancer; Hereditary breast and/or ovarian cancer syndrome; Hereditary breast and ovarian cancer syndrome; Hereditary breast and ovarian cancer syndrome (HBOC); Breast and ovarian cancer; BRCA1- and BRCA2-Associated Hereditary Breast and Ovarian Cancer. Identifiers: Orphanet 145, MedGen C0677776, MeSH D061325, MONDO:0003582. Disease mechanism: loss of function.
Hereditary cancer-predisposing syndrome. Also called: Hereditary neoplastic syndrome; Tumor predisposition; Neoplastic Syndromes, Hereditary; Hereditary Cancer Syndrome. Identifiers: Orphanet 140162, MedGen C0027672, MeSH D009386, MONDO:0015356.

Submissions (3):

Ambry Genetics
Classification: Likely benign for Hereditary cancer-predisposing syndrome. Last evaluated: 2025-04-30. Review status: criteria provided, single submitter. Criteria: Ambry Variant Classification Scheme 2023. Collection method: clinical testing. Allele origin: germline.

Labcorp Genetics (formerly Invitae), Labcorp
Classification: Uncertain significance for Hereditary breast ovarian cancer syndrome. Last evaluated: 2023-09-06. Review status: criteria provided, single submitter. Criteria: Invitae Variant Classification Sherloc (09022015). Collection method: clinical testing. Allele origin: germline.
Comment: This sequence change replaces lysine, which is basic and polar, with asparagine, which is neutral and polar, at codon 1274 of the BRCA2 protein (p.Lys1274Asn). This variant is not present in population databases (gnomAD no frequency). This variant has not been reported in the literature in individuals affected with BRCA2-related conditions. ClinVar contains an entry for this variant (Variation ID: 955035). Advanced modeling of protein sequence and biophysical properties (such as structural, functional, and spatial information, amino acid conservation, physicochemical variation, residue mobility, and thermodynamic stability) performed at Invitae indicates that this missense variant is not expected to disrupt BRCA2 protein function. In summary, the available evidence is currently insufficient to determine the role of this variant in disease. Therefore, it has been classified as a Variant of Uncertain Significance.

University of Washington Department of Laboratory Medicine, University of Washington
Classification: Likely benign for Hereditary cancer-predisposing syndrome. Last evaluated: 2023-03-23. Review status: criteria provided, single submitter. Criteria: Dines et al. (Genet Med. 2020). Collection method: curation. Allele origin: germline.
Comment: Missense variant in a coldspot region where missense variants are very unlikely to be pathogenic (PMID:31911673).

BRCA2 exon 11 coldspot. Reclassification based on statistical prior probability.

NM_000059.4(BRCA2):c.3822G>C (p.Lys1274Asn)

Gene: BRCA2 (BRCA2 DNA repair associated; plus strand). Cytogenetic location: 13q13.1.
Variant type: single nucleotide variant.
Coding change: c.3822G>C on transcript NM_000059.4 (MANE Select); coding-DNA position 3822, G replaced by C.
Protein change: p.Lys1274Asn; replaces lysine 1274 with asparagine.
Molecular consequence: missense variant.
Genome position (GRCh38, 1-based): chr13:32,338,177, G>C. VCF-style: chr13-32338177-G-C. GRCh37 (hg19) VCF-style: chr13-32912314-G-C.
Other names: short protein forms K1274N.
Identifiers: ClinVar variation 955035 (VCV000955035.12), dbSNP rs1555283410, ClinGen allele CA387778491.